The following is an entry in ClinVar:

ClinVar aggregate classification (germline): Conflicting classifications of pathogenicity. Review status: criteria provided, conflicting classifications (1 of 4 stars). 3 submissions from 3 submitters: Pathogenic (1); Likely pathogenic (1); Uncertain significance (1). Last evaluated 2024-11-11.

Conditions:
TWIST1-related craniosynostosis (CRS1). Also called: CRANIOSYNOSTOSIS 1. Identifiers: Orphanet 63440, MedGen C4551902, MONDO:0007399, OMIM 123100. Inheritance: Heterogenous inheritance pattern.
Saethre-Chotzen syndrome (SCS). Also called: ACROCEPHALY, SKULL ASYMMETRY, AND MILD SYNDACTYLY; ACS III; CHOTZEN SYNDROME. Identifiers: Orphanet 794, MedGen C0175699, MONDO:0007042, OMIM 101400.

Submissions (3):

Division of Genetic & Genomic Pathology, Hong Kong Children's Hospital
Classification: Likely pathogenic for TWIST1-related craniosynostosis. Last evaluated: 2024-11-11. Review status: criteria provided, single submitter. Criteria: ACMG Guidelines, 2015. Collection method: clinical testing. Allele origin: germline. Affected: yes.
Comment: TWIST1 c.395G>C p.(Arg132Pro) is a missense variant in exon 1 of the gene. It is located in the helix I of the helix-loop-helix domain, which is important for heterodimer formation of the protein (PMID: 20301368). The variant is absent from control populations (gnomAD v2.1.1 and v4.1.0). It has been reported in a patient with clinical features of Saethre-Chotzen syndrome but phenotypic details or inheritance were not provided (PMID: 9585583). This variant has also been reported to segregate with craniosynostosis in four family members from a three-generation family (Gynecol Obstet (Sunnyvale) 8: 483). The variant has a REVEL score of 0.939, which is predicted to be deleterious. Another variant affecting the same amino acid residue has been reported to cause craniosynostosis (PMID: 24271085). For these reasons, TWIST1 c.395G>C p.(Arg132Pro) is classified as likely pathogenic.

Labcorp Genetics (formerly Invitae), Labcorp
Classification: Pathogenic for TWIST1-related craniosynostosis; Saethre-Chotzen syndrome. Last evaluated: 2020-03-03. Review status: criteria provided, single submitter. Criteria: Invitae Variant Classification Sherloc (09022015). Collection method: clinical testing. Allele origin: germline.
Comment: For these reasons, this variant has been classified as Pathogenic. This variant disrupts the p.Arg132 amino acid residue in TWIST1. Other variant(s) that disrupt this residue have been observed in individuals with TWIST1-related conditions (PMID: 25271085, 19373776), which suggests that this may be a clinically significant amino acid residue. Algorithms developed to predict the effect of missense changes on protein structure and function (SIFT, PolyPhen-2, Align-GVGD) all suggest that this variant is likely to be disruptive, but these predictions have not been confirmed by published functional studies and their clinical significance is uncertain. This variant has been observed in individual(s) with clinical features of Saethre-Chotzen syndrome (PMID: 9585583, Invitae). It has also been observed to segregate with disease in related individuals. This variant is not present in population databases (ExAC no frequency). This sequence change replaces arginine with proline at codon 132 of the TWIST1 protein (p.Arg132Pro). The arginine residue is highly conserved and there is a moderate physicochemical difference between arginine and proline.

GeneDx
Classification: Uncertain significance. Last evaluated: 2019-09-02. Review status: criteria provided, single submitter. Criteria: GeneDx Variant Classification Process June 2021. Collection method: clinical testing. Allele origin: germline. Affected: yes.
Comment: Not observed in large population cohorts (Lek et al., 2016); In silico analysis, which includes protein predictors and evolutionary conservation, supports a deleterious effect; Reported in a family with Saethre-Chotzen syndrome, but familial segregation information and additional clinical information were not included (Paznekas et al., 1998); This variant is associated with the following publications: (PMID: 9585583)

Literature cited by the submitters: PubMed 20301368 (cited by Division of Genetic & Genomic Pathology, Hong Kong Children's Hospital); PubMed 9585583 (cited by Division of Genetic & Genomic Pathology, Hong Kong Children's Hospital and Labcorp Genetics (formerly Invitae), Labcorp); PubMed 24271085 (cited by Division of Genetic & Genomic Pathology, Hong Kong Children's Hospital); PubMed 25271085 (cited by Labcorp Genetics (formerly Invitae), Labcorp); PubMed 19373776 (cited by Labcorp Genetics (formerly Invitae), Labcorp).

NM_000474.4(TWIST1):c.395G>C (p.Arg132Pro)

Gene: TWIST1 (twist family bHLH transcription factor 1; minus strand). Cytogenetic location: 7p21.1.
Variant type: single nucleotide variant.
Coding change: c.395G>C on transcript NM_000474.4 (MANE Select); coding-DNA position 395, G replaced by C.
Protein change: p.Arg132Pro; replaces arginine 132 with proline.
Molecular consequence: missense variant. On other transcripts: non-coding transcript variant (1).
Genome position (GRCh38, 1-based): chr7:19,116,927, C>G on the plus strand (G>C on the coding strand, the complement: TWIST1 is on the minus strand). VCF-style: chr7-19116927-C-G. GRCh37 (hg19) VCF-style: chr7-19156550-C-G.
Other names: short protein forms R132P.
Identifiers: ClinVar variation 476634 (VCV000476634.13), dbSNP rs1554441995, ClinGen allele CA367015532.